The following is an entry in ClinVar:

ClinVar aggregate classification (germline): Uncertain significance (1 of 4 stars; one submission).

Conditions:
Fanconi anemia (FA). Also called: Fanconi's anemia. Identifiers: Orphanet 84, MedGen C0015625, MeSH D005199, MONDO:0019391.

Submission:

Labcorp Genetics (formerly Invitae), Labcorp
Classification: Uncertain significance for Fanconi anemia. Last evaluated: 2022-10-22. Review status: criteria provided, single submitter. Criteria: Invitae Variant Classification Sherloc (09022015). Collection method: clinical testing. Allele origin: germline.
Comment: Algorithms developed to predict the effect of missense changes on protein structure and function are either unavailable or do not agree on the potential impact of this missense change (SIFT: "Deleterious"; PolyPhen-2: "Possibly Damaging"; Align-GVGD: "Class C0"). This variant has not been reported in the literature in individuals affected with FANCA-related conditions. This variant is not present in population databases (gnomAD no frequency). This sequence change replaces tryptophan, which is neutral and slightly polar, with cysteine, which is neutral and slightly polar, at codon 298 of the FANCA protein (p.Trp298Cys). Algorithms developed to predict the effect of sequence changes on RNA splicing suggest that this variant may disrupt the consensus splice site. In summary, the available evidence is currently insufficient to determine the role of this variant in disease. Therefore, it has been classified as a Variant of Uncertain Significance.

NM_000135.4(FANCA):c.894G>T (p.Trp298Cys)

Gene: FANCA (FA complementation group A; minus strand). Cytogenetic location: 16q24.3.
Variant type: single nucleotide variant.
Coding change: c.894G>T on transcript NM_000135.4 (MANE Select); coding-DNA position 894, G replaced by T.
Protein change: p.Trp298Cys; replaces tryptophan 298 with cysteine.
Molecular consequence: missense variant.
Genome position (GRCh38, 1-based): chr16:89,796,018, C>A on the plus strand (G>T on the coding strand, the complement: FANCA is on the minus strand). VCF-style: chr16-89796018-C-A. GRCh37 (hg19) VCF-style: chr16-89862426-C-A.
Other names: c.894G>T, p.Trp298Cys (NM_001286167.3); short protein forms W298C.
Identifiers: ClinVar variation 1721956 (VCV001721956.5), dbSNP rs2544288793, ClinGen allele CA397470456.
Genomic context (GRCh38, chr16:89,796,018, plus strand): 5'-CCTCTTCAGAGGATCTGTGGAAATTACACTGCCAAGCGTGTGTCCACTGAACACTCCGAA[C>A]CTGCCAATGCAGCAGAAAGAGGGGTCAGGAAAGGGAGGGTGCCTTGCACGCCACCCACCA-3'
Protein context (NP_000126.2, residues 288-308): ESSTHKIVRC[Trp298Cys]FGVFSGHTLG